The following is an entry in ClinVar:

NM_002474.3(MYH11):c.4988A>T (p.Asp1663Val)

Genes: NDE1 (nudE neurodevelopment protein 1; plus strand), MYH11 (myosin heavy chain 11; minus strand). Cytogenetic location: 16p13.11.
Variant type: single nucleotide variant.
Coding change: c.4988A>T on transcript NM_002474.3 (MANE Select); coding-DNA position 4988, A replaced by T.
Protein change: p.Asp1663Val; replaces aspartic acid 1663 with valine.
Molecular consequence: missense variant. On other transcripts: intron variant (2).
Genome position (GRCh38, 1-based): chr16:15,719,679, T>A on the plus strand (A>T on the coding strand, the complement: MYH11 is on the minus strand). VCF-style: chr16-15719679-T-A. GRCh37 (hg19) VCF-style: chr16-15813536-T-A.
Other names: c.5009A>T, p.Asp1670Val (NM_001040113.2, NM_001040114.2); c.4988A>T, p.Asp1663Val (NM_022844.3); c.948-4512T>A (NM_001143979.2, NM_017668.3); short protein forms D1670V, D1663V.
Identifiers: ClinVar variation 534152 (VCV000534152.8), dbSNP rs538137003, ClinGen allele CA394851786.
Genomic context (GRCh38, chr16:15,719,679, plus strand): 5'-TTGGCTTTCTTCTCATTCTCTTTGGCTGTGGCAAAGATCTCATCTCTGGAGGCACGGGCA[T>A]CTTCCAGCTCTCTTTGAAAGTCCTTCATCTGAGCCTGCATGAGTCAACAGGGAGGACAAG-3'
Protein context (NP_002465.1, residues 1653-1673): QMKDFQRELE[Asp1663Val]ARASRDEIFA

ClinVar aggregate classification (germline): Uncertain significance (1 of 4 stars; one submission).

Conditions:
Aortic aneurysm, familial thoracic 4 (AAT4). Also called: AORTIC ANEURYSM/AORTIC DISSECTION AND PATENT DUCTUS ARTERIOSUS. Identifiers: MedGen C1851504, MONDO:0007568, OMIM 132900.

Submission:

Labcorp Genetics (formerly Invitae), Labcorp
Classification: Uncertain significance for Aortic aneurysm, familial thoracic 4. Last evaluated: 2022-07-18. Review status: criteria provided, single submitter. Criteria: Invitae Variant Classification Sherloc (09022015). Collection method: clinical testing. Allele origin: germline.
Comment: In summary, the available evidence is currently insufficient to determine the role of this variant in disease. Therefore, it has been classified as a Variant of Uncertain Significance. Algorithms developed to predict the effect of missense changes on protein structure and function (SIFT, PolyPhen-2, Align-GVGD) all suggest that this variant is likely to be disruptive. ClinVar contains an entry for this variant (Variation ID: 534152). This variant has not been reported in the literature in individuals affected with MYH11-related conditions. This variant is not present in population databases (gnomAD no frequency). This sequence change replaces aspartic acid, which is acidic and polar, with valine, which is neutral and non-polar, at codon 1670 of the MYH11 protein (p.Asp1670Val).